The following is an entry in ClinVar:

ClinVar aggregate classification (germline): Benign/Likely benign. Review status: criteria provided, multiple submitters, no conflicts (2 of 4 stars). 4 submissions from 4 submitters: Benign (1); Likely benign (2). 1 of the submissions does not count toward it. Last evaluated 2025-03-31.

Conditions:
Wolfram syndrome 1 (WFS1). Identifiers: Orphanet 3463, MedGen C4551693, MONDO:0009101, OMIM 222300.
WFS1-related disorder. Identifiers: MedGen CN379391, MONDO:0700293.

Allele frequency attached by ClinVar (database versions not stated): TOPMed 0.00002; gnomAD 0.00003; ExAC 0.00008; 1000 Genomes Project 0.00040; 1000 Genomes Project 30x 0.00062.
gnomAD v4.1: 44 of 1,614,104 alleles (0.0027%); highest among the groups gnomAD compares: South Asian, 0.016%; no homozygotes.

Submissions (4):

Labcorp Genetics (formerly Invitae), Labcorp
Classification: Likely benign. Last evaluated: 2025-03-31. Review status: criteria provided, single submitter. Criteria: Invitae Variant Classification Sherloc (09022015). Collection method: clinical testing. Allele origin: germline.

Blueprint Genetics
Classification: Likely benign. Last evaluated: 2022-06-02. Review status: criteria provided, single submitter. Criteria: ACMG Guidelines, 2015. Collection method: clinical testing. Allele origin: germline.

Clinical Genomics, Uppaluri K&H Personalized Medicine Clinic
Classification: Benign for Wolfram syndrome 1. Review status: criteria provided, single submitter. Criteria: K & H Uppaluri Personalized Medicine Clinic Variant Classification & Assertion Criteria_Updated V.1. Collection method: research. Allele origin: unknown. Inheritance: Autosomal recessive inheritance.
Comment: Potent mutations in WFS1 gene are associated with Wolfram's syndrome, an autosomal recessive condition, which cause diabetes mellitus, diabetes insipidus, deafness and optic atrophy. However no sufficient evidence is found to ascertain the role of this particular variant rs71532860 in Wolfram's syndrome yet.

PreventionGenetics, part of Exact Sciences
Classification: Likely benign for WFS1-related condition. Last evaluated: 2019-07-12. Review status: no assertion criteria provided. Collection method: clinical testing. Allele origin: germline. Not counted in ClinVar's aggregate classification.
Comment: This variant is classified as likely benign based on ACMG/AMP sequence variant interpretation guidelines (Richards et al. 2015 PMID: 25741868, with internal and published modifications).

Literature cited by the submitters: PubMed 20738327 (cited by Clinical Genomics, Uppaluri K&H Personalized Medicine Clinic); PubMed 33879153 (cited by Clinical Genomics, Uppaluri K&H Personalized Medicine Clinic); PubMed 12955714 (cited by Clinical Genomics, Uppaluri K&H Personalized Medicine Clinic); PubMed 18060660 (cited by Clinical Genomics, Uppaluri K&H Personalized Medicine Clinic); PubMed 20301750 (cited by Clinical Genomics, Uppaluri K&H Personalized Medicine Clinic); PubMed 17603484 (cited by Clinical Genomics, Uppaluri K&H Personalized Medicine Clinic).

NM_006005.3(WFS1):c.1884G>A (p.Thr628=)

Gene: WFS1 (wolframin ER transmembrane glycoprotein; plus strand). Cytogenetic location: 4p16.1.
Variant type: single nucleotide variant.
Coding change: c.1884G>A on transcript NM_006005.3 (MANE Select); coding-DNA position 1884, G replaced by A.
Protein change: p.Thr628=; no amino-acid change (threonine 628 retained).
Molecular consequence: synonymous variant.
Genome position (GRCh38, 1-based): chr4:6,301,679, G>A. VCF-style: chr4-6301679-G-A. GRCh37 (hg19) VCF-style: chr4-6303406-G-A.
Other names: c.1884G>A, p.Thr628= (NM_001145853.1).
Identifiers: ClinVar variation 772065 (VCV000772065.12), dbSNP rs71532860, ClinGen allele CA2839534.